The following is an entry in ClinVar:

NM_024747.6(HPS6):c.579G>A (p.Leu193=)

Gene: HPS6 (HPS6 biogenesis of lysosomal organelles complex 2 subunit 3; plus strand). Cytogenetic location: 10q24.32.
Variant type: single nucleotide variant.
Coding change: c.579G>A on transcript NM_024747.6 (MANE Select); coding-DNA position 579, G replaced by A.
Protein change: p.Leu193=; no amino-acid change (leucine 193 retained).
Molecular consequence: synonymous variant.
Genome position (GRCh38, 1-based): chr10:102,066,053, G>A. VCF-style: chr10-102066053-G-A. GRCh37 (hg19) VCF-style: chr10-103825810-G-A.
Identifiers: ClinVar variation 3645521 (VCV003645521.2).
Genomic context (GRCh38, chr10:102,066,053, plus strand): 5'-AGCTAGCACCAGCCTGGGCCGCACACACGTCCTGCTGCACCACTGCCCTGCCTTCGGGCT[G>A]CTGGCCTCCTGCAGACAACTCTTCCTGGTGCCCACTGCCACCACCTGGCCTGGCGTGGCC-3'
Protein context (NP_079023.2, residues 183-203): VLLHHCPAFG[Leu193=]LASCRQLFLV

ClinVar aggregate classification (germline): Uncertain significance (1 of 4 stars; one submission).

Submission:

Labcorp Genetics (formerly Invitae), Labcorp
Classification: Uncertain significance. Last evaluated: 2024-03-15. Review status: criteria provided, single submitter. Criteria: Invitae Variant Classification Sherloc (09022015). Collection method: clinical testing. Allele origin: germline.
Comment: This sequence change affects codon 193 of the HPS6 mRNA. It is a 'silent' change, meaning that it does not change the encoded amino acid sequence of the HPS6 protein. This variant is not present in population databases (gnomAD no frequency). This variant has not been reported in the literature in individuals affected with HPS6-related conditions. In summary, the available evidence is currently insufficient to determine the role of this variant in disease. Therefore, it has been classified as a Variant of Uncertain Significance.